The following is an entry in ClinVar:

NM_001281775.3(ZMYND8):c.1925G>T (p.Gly642Val)

Gene: ZMYND8 (zinc finger MYND-type containing 8; minus strand). Cytogenetic location: 20q13.12.
Variant type: single nucleotide variant.
Coding change: c.1925G>T on transcript NM_001281775.3 (MANE Select); coding-DNA position 1925, G replaced by T.
Protein change: p.Gly642Val; replaces glycine 642 with valine.
Molecular consequence: missense variant.
Genome position (GRCh38, 1-based): chr20:47,246,367, C>A on the plus strand (G>T on the coding strand, the complement: ZMYND8 is on the minus strand). VCF-style: chr20-47246367-C-A. GRCh37 (hg19) VCF-style: chr20-45875111-C-A.
Other names: c.1850G>T, p.Gly617Val (NM_001281771.3, NM_001281777.3, NM_001281778.3 and 2 more transcripts); c.1865G>T, p.Gly622Val (NM_001281772.3, NM_001281773.3, NM_001281774.3 and 1 more transcripts); c.1925G>T, p.Gly642Val (NM_001281776.3, NM_001281783.3, NM_012408.6 and 1 more transcripts); c.1121G>T, p.Gly374Val (NM_001281779.3, NM_001281780.3); c.1709G>T, p.Gly570Val (NM_001281781.3, NM_001281784.3); c.1946G>T, p.Gly649Val (NM_001363714.1); short protein forms G374V, G570V, G649V, G622V, G642V, G617V.
Identifiers: ClinVar variation 4993270 (VCV004993270.1).
Genomic context (GRCh38, chr20:47,246,367, plus strand): 5'-ACTGGGTTTGTAGGCTTGGGCTTTTTTTTAACAGCAGATGGCTCTTTGTCCATCTGACAA[C>A]CTTCTTTGTCCTCTGTGTCTTCTGGCTCGTTCTTAGACTTCTGCTCATCATCACTGATAT-3'
Protein context (NP_001268704.1, residues 632-652): NEPEDTEDKE[Gly642Val]CQMDKEPSAV

ClinVar aggregate classification (germline): Uncertain significance (1 of 4 stars; one submission).

Conditions:
ZMYND8-related disorder. Also called: ZMYND8-related condition.

Submission:

PreventionGenetics, part of Exact Sciences
Classification: Uncertain significance for ZMYND8-related condition. Last evaluated: 2025-11-21. Review status: criteria provided, single submitter. Criteria: ACMG Guidelines, 2015. Collection method: clinical testing. Allele origin: germline.
Comment: The ZMYND8 c.1946G>T variant is predicted to result in the amino acid substitution p.Gly649Val. To our knowledge, this variant has not been reported in the literature or in a large population database (gnomAD), indicating this variant is rare. At this time, the clinical significance of this variant is uncertain due to the absence of conclusive functional and genetic evidence.